The following is an entry in ClinVar:

NM_024589.3(ROGDI):c.349A>G (p.Arg117Gly)

Gene: ROGDI (rogdi atypical leucine zipper; minus strand). Cytogenetic location: 16p13.3.
Variant type: single nucleotide variant.
Coding change: c.349A>G on transcript NM_024589.3 (MANE Select); coding-DNA position 349, A replaced by G.
Protein change: p.Arg117Gly; replaces arginine 117 with glycine.
Molecular consequence: missense variant. On other transcripts: non-coding transcript variant (1).
Genome position (GRCh38, 1-based): chr16:4,799,769, T>C on the plus strand (A>G on the coding strand, the complement: ROGDI is on the minus strand). VCF-style: chr16-4799769-T-C. GRCh37 (hg19) VCF-style: chr16-4849770-T-C.
Other names: short protein forms R117G.
Identifiers: ClinVar variation 565537 (VCV000565537.7), dbSNP rs1434946457, ClinGen allele CA394653627.
Genomic context (GRCh38, chr16:4,799,769, plus strand): 5'-TGAACTGGTAGCTCTGGTCCCGGCTGGTAAGCAGGTAAATGGCTTGGCTCACATGGTTTC[T>C]GGCATCCTGGATCTGGAAGCAGGGGTCATCCAGAGGGGTCACGCCAGCTTCCATGCGGCC-3'
Protein context (NP_078865.1, residues 107-127): QWKLQQIQDA[Arg117Gly]NHVSQAIYLL

ClinVar aggregate classification (germline): Uncertain significance (1 of 4 stars; one submission).

Conditions:
Amelocerebrohypohidrotic syndrome (KTZS). Also called: EPILEPSY AND YELLOW TEETH; EPILEPSY, DEMENTIA, AND AMELOGENESIS IMPERFECTA; Kohlschutter's syndrome; KOHLSCHUTTER SYNDROME. Identifiers: Orphanet 1946, MedGen C0406740, MONDO:0009185, OMIM 226750.

Allele frequency attached by ClinVar (database versions not stated): gnomAD exomes 0.00001.

Submission:

Labcorp Genetics (formerly Invitae), Labcorp
Classification: Uncertain significance for Amelocerebrohypohidrotic syndrome. Last evaluated: 2021-09-02. Review status: criteria provided, single submitter. Criteria: Invitae Variant Classification Sherloc (09022015). Collection method: clinical testing. Allele origin: germline.
Comment: This sequence change replaces arginine with glycine at codon 117 of the ROGDI protein (p.Arg117Gly). The arginine residue is highly conserved and there is a moderate physicochemical difference between arginine and glycine. This variant is not present in population databases (ExAC no frequency). This variant has not been reported in the literature in individuals affected with ROGDI-related conditions. Algorithms developed to predict the effect of missense changes on protein structure and function (SIFT, PolyPhen-2, Align-GVGD) all suggest that this variant is likely to be tolerated. In summary, the available evidence is currently insufficient to determine the role of this variant in disease. Therefore, it has been classified as a Variant of Uncertain Significance.